The following is an entry in ClinVar:

NM_015267.4(CUX2):c.3903A>G (p.Glu1301=)

Gene: CUX2 (cut like homeobox 2; plus strand). Cytogenetic location: 12q24.12.
Variant type: single nucleotide variant.
Coding change: c.3903A>G on transcript NM_015267.4 (MANE Select); coding-DNA position 3903, A replaced by G.
Protein change: p.Glu1301=; no amino-acid change (glutamic acid 1301 retained).
Molecular consequence: synonymous variant.
Genome position (GRCh38, 1-based): chr12:111,347,767, A>G. VCF-style: chr12-111347767-A-G. GRCh37 (hg19) VCF-style: chr12-111785571-A-G.
Other names: c.3717A>G, p.Glu1239= (NM_001370598.1).
Identifiers: ClinVar variation 2643313 (VCV002643313.24), dbSNP rs764550276, ClinGen allele CA6789246.

ClinVar aggregate classification (germline): Likely benign (1 of 4 stars; one submission).

Allele frequency attached by ClinVar (database versions not stated): TOPMed 0.00003; gnomAD 0.00006; ExAC 0.00007; gnomAD exomes 0.00008.
gnomAD v4.1: 120 of 1,613,690 alleles (0.0074%); highest among the groups gnomAD compares: Non-Finnish European, 0.0098%; no homozygotes.

Submission:

CeGaT Center for Human Genetics Tuebingen
Classification: Likely benign. Last evaluated: 2022-05-01. Review status: criteria provided, single submitter. Criteria: CeGaT Center For Human Genetics Tuebingen Variant Classification Criteria Version 2. Collection method: clinical testing. Allele origin: germline. Affected: yes. Observed: 1 variant allele.
Comment: CUX2: BP4, BP7